The following is an entry in ClinVar:

ClinVar aggregate classification (germline): Pathogenic (1 of 4 stars; one submission).

Conditions:
Pierson syndrome. Also called: MICROCORIA-CONGENITAL NEPHROTIC SYNDROME. Identifiers: Orphanet 2670, MedGen C1836876, MONDO:0012184, OMIM 609049.
LAMB2-related infantile-onset nephrotic syndrome. Also called: Nephrotic Syndrome, type 5; NEPHROTIC SYNDROME, TYPE 5, WITHOUT OCULAR ABNORMALITIES; NEPHROTIC SYNDROME, TYPE 5, WITH OCULAR ABNORMALITIES. Identifiers: Orphanet 306507, MedGen C3280113, MONDO:0013621, OMIM 614199.

Submission:

Labcorp Genetics (formerly Invitae), Labcorp
Classification: Pathogenic for LAMB2-related infantile-onset nephrotic syndrome; Pierson syndrome. Last evaluated: 2024-10-25. Review status: criteria provided, single submitter. Criteria: Invitae Variant Classification Sherloc (09022015). Collection method: clinical testing. Allele origin: germline.
Comment: This sequence change creates a premature translational stop signal (p.Gly256Glufs*114) in the LAMB2 gene. It is expected to result in an absent or disrupted protein product. Loss-of-function variants in LAMB2 are known to be pathogenic (PMID: 15367484). This variant is present in population databases (no rsID available, gnomAD 0.002%). This variant has not been reported in the literature in individuals affected with LAMB2-related conditions. For these reasons, this variant has been classified as Pathogenic.

Literature cited by the submitters: PubMed 15367484.

NM_002292.4(LAMB2):c.767del (p.Gly256fs)

Gene: LAMB2 (laminin subunit beta 2; minus strand). Cytogenetic location: 3p21.31.
Variant type: Deletion.
Coding change: c.767del on transcript NM_002292.4 (MANE Select); coding-DNA position 767, one base deleted (G; older notation c.767delG).
Protein change: p.Gly256fs; shifts the reading frame from glycine 256.
Molecular consequence: frameshift variant.
Genome position (GRCh38, 1-based): chr3:49,131,098, C deleted on the plus strand (G on the coding strand, the reverse complement: LAMB2 is on the minus strand); the first of 3 consecutive C bases (chr3:49,131,098-49,131,100); deleting any one gives the same sequence. VCF-style (leftmost placement, unchanged base first): chr3-49131097-TC-T. GRCh37 (hg19) VCF-style: chr3-49168530-TC-T.
Other names: short protein forms G256fs.
Identifiers: ClinVar variation 3761184 (VCV003761184.2).